The following is an entry in ClinVar:

NM_018206.6(VPS35):c.696T>C (p.Gly232=)

Gene: VPS35 (VPS35 retromer complex component; minus strand). Cytogenetic location: 16q11.2.
Variant type: single nucleotide variant.
Coding change: c.696T>C on transcript NM_018206.6 (MANE Select); coding-DNA position 696, T replaced by C.
Protein change: p.Gly232=; no amino-acid change (glycine 232 retained).
Molecular consequence: synonymous variant.
Genome position (GRCh38, 1-based): chr16:46,678,967, A>G on the plus strand (T>C on the coding strand, the complement: VPS35 is on the minus strand). VCF-style: chr16-46678967-A-G. GRCh37 (hg19) VCF-style: chr16-46712879-A-G.
Identifiers: ClinVar variation 2646487 (VCV002646487.24), dbSNP rs1256763496, ClinGen allele CA494972124.

ClinVar aggregate classification (germline): Likely benign (1 of 4 stars; one submission).

Allele frequency attached by ClinVar (database versions not stated): gnomAD exomes below 0.00001; gnomAD 0.00001; TOPMed 0.00001.
gnomAD v4.1: 3 of 1,614,082 alleles (0.00019%); highest among the groups gnomAD compares: Non-Finnish European, 0.00025%; no homozygotes.

Submission:

CeGaT Center for Human Genetics Tuebingen
Classification: Likely benign. Last evaluated: 2023-07-01. Review status: criteria provided, single submitter. Criteria: CeGaT Center For Human Genetics Tuebingen Variant Classification Criteria Version 2. Collection method: clinical testing. Allele origin: germline. Affected: yes. Observed: 1 variant allele.
Comment: VPS35: BP4, BP7